The following is an entry in ClinVar:

ClinVar aggregate classification (germline): Uncertain significance (1 of 4 stars; one submission).

Conditions:
Cardiovascular phenotype. Identifiers: MedGen CN230736.

Allele frequency attached by ClinVar (database versions not stated): TOPMed below 0.00001; gnomAD exomes 0.00001.

Submission:

Ambry Genetics
Classification: Uncertain significance for Cardiovascular phenotype. Last evaluated: 2021-12-07. Review status: criteria provided, single submitter. Criteria: Ambry Variant Classification Scheme 2023. Collection method: clinical testing. Allele origin: germline.
Comment: The p.I348V variant (also known as c.1042A>G), located in coding exon 8 of the MAT2A gene, results from an A to G substitution at nucleotide position 1042. The isoleucine at codon 348 is replaced by valine, an amino acid with highly similar properties. This amino acid position is conserved. In addition, the in silico prediction for this alteration is inconclusive. Since supporting evidence is limited at this time, the clinical significance of this alteration remains unclear.

NM_005911.6(MAT2A):c.1042A>G (p.Ile348Val)

Genes: GGCX (gamma-glutamyl carboxylase; minus strand), MAT2A (methionine adenosyltransferase 2A; plus strand). Cytogenetic location: 2p11.2.
Variant type: single nucleotide variant.
Coding change: c.1042A>G on transcript NM_005911.6 (MANE Select); coding-DNA position 1042, A replaced by G.
Protein change: p.Ile348Val; replaces isoleucine 348 with valine.
Molecular consequence: missense variant.
Genome position (GRCh38, 1-based): chr2:85,542,991, A>G. VCF-style: chr2-85542991-A-G. GRCh37 (hg19) VCF-style: chr2-85770114-A-G.
Other names: short protein forms I348V.
Identifiers: ClinVar variation 1774455 (VCV001774455.2), dbSNP rs1691517066, ClinGen allele CA347478499.